The following is an entry in ClinVar:

ClinVar aggregate classification (germline): Uncertain significance (1 of 4 stars; one submission).

gnomAD v4.1: 1 of 1,614,180 alleles (0.000062%); highest among the groups gnomAD compares: Non-Finnish European, 0.000085%; no homozygotes.

Submission:

Ambry Genetics
Classification: Uncertain significance. Last evaluated: 2025-06-02. Review status: criteria provided, single submitter. Criteria: Ambry Variant Classification Scheme 2023. Collection method: clinical testing. Allele origin: germline.
Comment: The p.L178F variant (also known as c.532C>T), located in coding exon 1 of the MLH3 gene, results from a C to T substitution at nucleotide position 532. The leucine at codon 178 is replaced by phenylalanine, an amino acid with highly similar properties. This amino acid position is not well conserved in available vertebrate species. In addition, the in silico prediction for this alteration is inconclusive. Since supporting evidence is limited at this time, the clinical significance of this alteration remains unclear.

NM_001040108.2(MLH3):c.532C>T (p.Leu178Phe)

Gene: MLH3 (mutL homolog 3; minus strand). Cytogenetic location: 14q24.3.
Variant type: single nucleotide variant.
Coding change: c.532C>T on transcript NM_001040108.2 (MANE Select); coding-DNA position 532, C replaced by T.
Protein change: p.Leu178Phe; replaces leucine 178 with phenylalanine.
Molecular consequence: missense variant.
Genome position (GRCh38, 1-based): chr14:75,049,124, G>A on the plus strand (C>T on the coding strand, the complement: MLH3 is on the minus strand). VCF-style: chr14-75049124-G-A. GRCh37 (hg19) VCF-style: chr14-75515827-G-A.
Other names: c.532C>T, p.Leu178Phe (NM_014381.3); short protein forms L178F.
Identifiers: ClinVar variation 1746869 (VCV001746869.3), dbSNP rs1892483144, ClinGen allele CA390449954.